The following is an entry in ClinVar:

ClinVar aggregate classification (germline): Uncertain significance (1 of 4 stars; one submission).

Conditions:
3-methylglutaconic aciduria, type VIIB (MGCA7B). Also called: 3-methylglutaconic aciduria, type VII, with cataracts, neurologic involvement and neutropenia; CLPB Deficiency; 3-methylglutaconic aciduria with cataracts, neurologic involvement and neutropenia. Identifiers: Orphanet 445038, MedGen C5676893, MONDO:0014561, OMIM 616271.

Allele frequency attached by ClinVar (database versions not stated): gnomAD 0.00001; TOPMed 0.00001; gnomAD exomes 0.00003; ExAC 0.00004.
gnomAD v4.1: 41 of 1,614,006 alleles (0.0025%); highest among the groups gnomAD compares: Non-Finnish European, 0.0032%; no homozygotes.

Submission:

Labcorp Genetics (formerly Invitae), Labcorp
Classification: Uncertain significance for 3-methylglutaconic aciduria, type VIIB. Last evaluated: 2025-04-13. Review status: criteria provided, single submitter. Criteria: Invitae Variant Classification Sherloc (09022015). Collection method: clinical testing. Allele origin: germline.
Comment: This sequence change replaces glycine, which is neutral and non-polar, with serine, which is neutral and polar, at codon 612 of the CLPB protein (p.Gly612Ser). This variant is present in population databases (rs747198658, gnomAD 0.006%). This variant has not been reported in the literature in individuals affected with CLPB-related conditions. ClinVar contains an entry for this variant (Variation ID: 939621). An algorithm developed to predict the effect of missense changes on protein structure and function (PolyPhen-2) suggests that this variant is likely to be disruptive. In summary, the available evidence is currently insufficient to determine the role of this variant in disease. Therefore, it has been classified as a Variant of Uncertain Significance.

NM_001258392.3(CLPB):c.1744G>A (p.Gly582Ser)

Gene: CLPB (ClpB family mitochondrial disaggregase; minus strand). Cytogenetic location: 11q13.4.
Variant type: single nucleotide variant.
Coding change: c.1744G>A on transcript NM_001258392.3 (MANE Select); coding-DNA position 1744, G replaced by A.
Protein change: p.Gly582Ser; replaces glycine 582 with serine.
Molecular consequence: missense variant.
Genome position (GRCh38, 1-based): chr11:72,294,063, C>T on the plus strand (G>A on the coding strand, the complement: CLPB is on the minus strand). VCF-style: chr11-72294063-C-T. GRCh37 (hg19) VCF-style: chr11-72005107-C-T.
Other names: c.1657G>A, p.Gly553Ser (NM_001258393.3); c.1699G>A, p.Gly567Ser (NM_001258394.3); c.1834G>A, p.Gly612Ser (NM_030813.6); short protein forms G582S, G612S, G553S, G567S.
Identifiers: ClinVar variation 939621 (VCV000939621.8), dbSNP rs747198658, ClinGen allele CA6171051.
Genomic context (GRCh38, chr11:72,294,063, plus strand): 5'-CTCAGGCTCCTGTGCTCACCTCATGTTTGATGGAGCGGGCGCCATAGTGCACATTGTAGC[C>T]GTCGACCAGCACATCTGCCACCTCGCGGTCCCAGAGCAGCGTGATGTTGTGCCTTTGCTT-3'
Protein context (NP_001245321.1, residues 572-592): DREVADVLVD[Gly582Ser]YNVHYGARSI